The following is an entry in ClinVar:

ClinVar aggregate classification (germline): Uncertain significance. Review status: criteria provided, multiple submitters, no conflicts (2 of 4 stars). 2 submissions from 2 submitters: Uncertain significance (2). Last evaluated 2025-12-16.

Allele frequency attached by ClinVar (database versions not stated): gnomAD 0.00013 and 0.00015; 1000 Genomes Project 30x 0.00016; TOPMed 0.00018; 1000 Genomes Project 0.00020.
gnomAD v4.1: 291 of 1,614,162 alleles (0.018%); highest among the groups gnomAD compares: Non-Finnish European, 0.021%; no homozygotes.

Submissions (2):

Labcorp Genetics (formerly Invitae), Labcorp
Classification: Uncertain significance. Last evaluated: 2025-12-16. Review status: criteria provided, single submitter. Criteria: Invitae Variant Classification Sherloc (09022015). Collection method: clinical testing. Allele origin: germline.
Comment: This sequence change replaces alanine, which is neutral and non-polar, with threonine, which is neutral and polar, at codon 227 of the DHCR24 protein (p.Ala227Thr). This variant is present in population databases (rs201280799, gnomAD 0.02%). This variant has not been reported in the literature in individuals affected with DHCR24-related conditions. ClinVar contains an entry for this variant (Variation ID: 1450302). Invitae Evidence Modeling of protein sequence and biophysical properties (such as structural, functional, and spatial information, amino acid conservation, physicochemical variation, residue mobility, and thermodynamic stability) indicates that this missense variant is not expected to disrupt DHCR24 protein function with a negative predictive value of 80%. In summary, the available evidence is currently insufficient to determine the role of this variant in disease. Therefore, it has been classified as a Variant of Uncertain Significance.

Blueprint Genetics
Classification: Uncertain significance. Last evaluated: 2024-07-02. Review status: criteria provided, single submitter. Criteria: ACMG Guidelines, 2015. Collection method: clinical testing. Allele origin: germline.

NM_014762.4(DHCR24):c.679G>A (p.Ala227Thr)

Gene: DHCR24 (24-dehydrocholesterol reductase; minus strand). Cytogenetic location: 1p32.3.
Variant type: single nucleotide variant.
Coding change: c.679G>A on transcript NM_014762.4 (MANE Select); coding-DNA position 679, G replaced by A.
Protein change: p.Ala227Thr; replaces alanine 227 with threonine.
Molecular consequence: missense variant.
Genome position (GRCh38, 1-based): chr1:54,871,547, C>T on the plus strand (G>A on the coding strand, the complement: DHCR24 is on the minus strand). VCF-style: chr1-54871547-C-T. GRCh37 (hg19) VCF-style: chr1-55337220-C-T.
Other names: short protein forms A227T.
Identifiers: ClinVar variation 1450302 (VCV001450302.7), dbSNP rs201280799, ClinGen allele CA870752.